The following is an entry in ClinVar:

ClinVar aggregate classification (germline): Benign/Likely benign. Review status: criteria provided, multiple submitters, no conflicts (2 of 4 stars). 3 submissions from 3 submitters: Benign (1); Likely benign (1). 1 of the submissions does not count toward it. Last evaluated 2025-10-01.

Conditions:
BLK-related disorder. Also called: BLK-related condition.
Maturity-onset diabetes of the young type 11. Identifiers: Orphanet 552, MedGen C3150618, MONDO:0013242, OMIM 613375.

Allele frequency attached by ClinVar (database versions not stated): gnomAD exomes 0.00006 and 0.00017; ExAC 0.00023; ESP Exome Variant Server 0.00047; gnomAD 0.00072 and 0.00073; TOPMed 0.00072; 1000 Genomes Project 30x 0.00109; 1000 Genomes Project 0.00120.
gnomAD v4.1: 202 of 1,608,742 alleles (0.013%); highest among the groups gnomAD compares: African/African-American, 0.23%; no homozygotes.

Submissions (3):

Labcorp Genetics (formerly Invitae), Labcorp
Classification: Benign. Last evaluated: 2025-10-01. Review status: criteria provided, single submitter. Criteria: Invitae Variant Classification Sherloc (09022015). Collection method: clinical testing. Allele origin: germline.

Fulgent Genetics
Classification: Likely benign for Maturity-onset diabetes of the young type 11. Last evaluated: 2021-10-23. Review status: criteria provided, single submitter. Criteria: ACMG Guidelines, 2015. Collection method: clinical testing. Allele origin: unknown.

PreventionGenetics, part of Exact Sciences
Classification: Likely benign for BLK-related condition. Last evaluated: 2019-06-12. Review status: no assertion criteria provided. Collection method: clinical testing. Allele origin: germline. Not counted in ClinVar's aggregate classification.
Comment: This variant is classified as likely benign based on ACMG/AMP sequence variant interpretation guidelines (Richards et al. 2015 PMID: 25741868, with internal and published modifications).

NM_001715.3(BLK):c.1338C>G (p.Arg446=)

Gene: BLK (BLK proto-oncogene, Src family tyrosine kinase). Cytogenetic location: 8p23.1.
Variant type: single nucleotide variant.
Coding change: c.1338C>G on transcript NM_001715.3 (MANE Select); coding-DNA position 1338, C replaced by G.
Protein change: p.Arg446=; no amino-acid change (arginine 446 retained).
Molecular consequence: synonymous variant.
Genome position (GRCh38, 1-based): chr8:11,563,928, C>G. VCF-style: chr8-11563928-C-G. GRCh37 (hg19) VCF-style: chr8-11421437-C-G.
Other names: c.1125C>G, p.Arg375= (NM_001330465.2); c.1338C>G (NM_001715.2).
Identifiers: ClinVar variation 1624860 (VCV001624860.11), dbSNP rs377160616, ClinGen allele CA4630490.
Genomic context (GRCh38, chr8:11,563,928, plus strand): 5'-CCCCTCACCCCCGCTTGCGGTCTCCTCTGCCGCAGGGATGAGCAACCCCGAGGTCATCCG[C>G]AACCTGGAGCGCGGCTACCGCATGCCGCGCCCCGACACCTGCCCGCCCGAGCTGTACCGC-3'
Protein context (NP_001706.2, residues 436-456): YPGMSNPEVI[Arg446=]NLERGYRMPR